The following is an entry in ClinVar:

ClinVar aggregate classification (germline): Likely pathogenic. Review status: criteria provided, multiple submitters, no conflicts (2 of 4 stars). 2 submissions from 2 submitters: Likely pathogenic (2). Last evaluated 2025-05-12.

Conditions:
COL4A5-related disorders.
X-linked Alport syndrome (ATS1). Also called: NEPHROPATHY AND DEAFNESS, X-LINKED; COL4A5-Related Nephropathy. Identifiers: Orphanet 63, Orphanet 88917, MedGen C4746986, MONDO:0010520, OMIM 301050.

Submissions (2):

3billion
Classification: Likely pathogenic for X-linked Alport syndrome. Last evaluated: 2025-05-12. Review status: criteria provided, single submitter. Criteria: ACMG Guidelines, 2015. Collection method: clinical testing. Allele origin: germline. Affected: yes.
Comment: The variant is not observed in the gnomAD v4.1.0 dataset. Predicted Consequence/Location: The variant is located in a mutational hot spot and/or well-established functional domain in which established pathogenic variants have been reported (PMID: 7695699, 8218237, 19344236). In silico tool predictions suggest damaging effect of the variant on gene or gene product [REVEL: 0.99 (>=0.6, sensitivity 0.68 and specificity 0.92); 3Cnet: 0.43 (> 0.75, sensitivity 0.96 and precision 0.92)]. The same nucleotide change resulting in the same amino acid change has been previously reported to be associated with COL4A5-related disorder (PMID: 10094548).Different missense changes at the same codon (p.Gly1433Ala, p.Gly1433Cys, p.Gly1433Ser) have been reported to be associated with COL4A5-related disorder (PMID: 15954103, 21505094, 35020912). Therefore, this variant is classified as Likely pathogenic according to the recommendation of ACMG/AMP guideline.

Blueprint Genetics
Classification: Likely pathogenic for COL4A5-related disorders. Last evaluated: 2021-06-27. Review status: criteria provided, single submitter. Criteria: ACMG Guidelines, 2015. Collection method: clinical testing. Allele origin: germline. Affected: yes. Observed: 1 variant allele.

Literature cited by the submitters: PubMed 10094548 (cited by 3billion); PubMed 15954103 (cited by 3billion).

NM_033380.3(COL4A5):c.4298G>T (p.Gly1433Val)

Gene: COL4A5 (collagen type IV alpha 5 chain; plus strand). Cytogenetic location: Xq22.3.
Variant type: single nucleotide variant.
Coding change: c.4298G>T on transcript NM_033380.3 (MANE Select); coding-DNA position 4298, G replaced by T.
Protein change: p.Gly1433Val; replaces glycine 1433 with valine.
Molecular consequence: missense variant.
Genome position (GRCh38, 1-based): chrX:108,686,112, G>T. VCF-style: chrX-108686112-G-T. GRCh37 (hg19) VCF-style: chrX-107929342-G-T.
Other names: c.4280G>T, p.Gly1427Val (NM_000495.5); short protein forms G1427V, G1433V.
Identifiers: ClinVar variation 4854006 (VCV004854006.2), dbSNP rs104886274.